The following is an entry in ClinVar:

NM_004963.4(GUCY2C):c.2649G>C (p.Lys883Asn)

Gene: GUCY2C (guanylate cyclase 2C; minus strand). Cytogenetic location: 12p12.3.
Variant type: single nucleotide variant.
Coding change: c.2649G>C on transcript NM_004963.4 (MANE Select); coding-DNA position 2649, G replaced by C.
Protein change: p.Lys883Asn; replaces lysine 883 with asparagine.
Molecular consequence: missense variant.
Genome position (GRCh38, 1-based): chr12:14,621,169, C>G on the plus strand (G>C on the coding strand, the complement: GUCY2C is on the minus strand). VCF-style: chr12-14621169-C-G. GRCh37 (hg19) VCF-style: chr12-14774103-C-G.
Other names: short protein forms K883N.
Identifiers: ClinVar variation 2804513 (VCV002804513.3), dbSNP rs1430843915, ClinGen allele CA383994657.

ClinVar aggregate classification (germline): Uncertain significance (1 of 4 stars; one submission).

Allele frequency attached by ClinVar (database versions not stated): TOPMed below 0.00001.
gnomAD v4.1: 7 of 1,613,788 alleles (0.00043%); highest among the groups gnomAD compares: Non-Finnish European, 0.00059%; no homozygotes.

Submission:

Labcorp Genetics (formerly Invitae), Labcorp
Classification: Uncertain significance. Last evaluated: 2023-02-08. Review status: criteria provided, single submitter. Criteria: Invitae Variant Classification Sherloc (09022015). Collection method: clinical testing. Allele origin: germline.
Comment: This sequence change replaces lysine, which is basic and polar, with asparagine, which is neutral and polar, at codon 883 of the GUCY2C protein (p.Lys883Asn). This variant is not present in population databases (gnomAD no frequency). This variant has not been reported in the literature in individuals affected with GUCY2C-related conditions. Advanced modeling of protein sequence and biophysical properties (such as structural, functional, and spatial information, amino acid conservation, physicochemical variation, residue mobility, and thermodynamic stability) performed at Invitae indicates that this missense variant is not expected to disrupt GUCY2C protein function. In summary, the available evidence is currently insufficient to determine the role of this variant in disease. Therefore, it has been classified as a Variant of Uncertain Significance.